The following is an entry in ClinVar:

ClinVar aggregate classification (germline): Uncertain significance (1 of 4 stars; one submission).

Allele frequency attached by ClinVar (database versions not stated): gnomAD exomes below 0.00001; TOPMed below 0.00001.
gnomAD v4.1: 1 of 1,613,910 alleles (0.000062%); highest among the groups gnomAD compares: African/African-American, 0.0013%; no homozygotes.

Submission:

Ambry Genetics
Classification: Uncertain significance. Last evaluated: 2022-10-19. Review status: criteria provided, single submitter. Criteria: Ambry Variant Classification Scheme 2023. Collection method: clinical testing. Allele origin: germline.
Comment: The p.A1844V variant (also known as c.5531C>T), located in coding exon 6 of the ALPK2 gene, results from a C to T substitution at nucleotide position 5531. The alanine at codon 1844 is replaced by valine, an amino acid with similar properties. This amino acid position is conserved. In addition, this alteration is predicted to be tolerated by in silico analysis. Since supporting evidence is limited at this time, the clinical significance of this alteration remains unclear.

NM_052947.4(ALPK2):c.5531C>T (p.Ala1844Val)

Gene: ALPK2 (alpha kinase 2; minus strand). Cytogenetic location: 18q21.31.
Variant type: single nucleotide variant.
Coding change: c.5531C>T on transcript NM_052947.4 (MANE Select); coding-DNA position 5531, C replaced by T.
Protein change: p.Ala1844Val; replaces alanine 1844 with valine.
Molecular consequence: missense variant.
Genome position (GRCh38, 1-based): chr18:58,524,033, G>A on the plus strand (C>T on the coding strand, the complement: ALPK2 is on the minus strand). VCF-style: chr18-58524033-G-A. GRCh37 (hg19) VCF-style: chr18-56191265-G-A.
Other names: short protein forms A1844V.
Identifiers: ClinVar variation 1748144 (VCV001748144.2), dbSNP rs868102117, ClinGen allele CA300918889.
Genomic context (GRCh38, chr18:58,524,033, plus strand): 5'-TAGCTGTTCTTGATGCAGCAGTAATAGAGTCCCTGGTCCTTCGGACTGGCTTGCACGATG[G>A]CAAAGGAAACAGTGGAGTTGTCCCCTGCACTGCAATGAGGAATATTCACATTGACACACT-3'
Protein context (NP_443179.3, residues 1834-1854): SAGDNSTVSF[Ala1844Val]IVQASPKDQG